The following is an entry in ClinVar:

NM_001161748.2(LIM2):c.78C>T (p.Asp26=)

Genes: LIM2 (lens intrinsic membrane protein 2; minus strand), LIM2-AS1 (LIM2 and SIGLEC10 antisense RNA 1; plus strand). Cytogenetic location: 19q13.41.
Variant type: single nucleotide variant.
Coding change: c.78C>T on transcript NM_001161748.2 (MANE Select); coding-DNA position 78, C replaced by T.
Protein change: p.Asp26=; no amino-acid change (aspartic acid 26 retained).
Molecular consequence: synonymous variant.
Genome position (GRCh38, 1-based): chr19:51,387,366, G>A on the plus strand (C>T on the coding strand, the complement: LIM2 is on the minus strand). VCF-style: chr19-51387366-G-A. GRCh37 (hg19) VCF-style: chr19-51890620-G-A.
Other names: c.78C>T, p.Asp26= (NM_030657.4).
Identifiers: ClinVar variation 3390113 (VCV003390113.14).

ClinVar aggregate classification (germline): Likely benign (1 of 4 stars; one submission).

Submission:

CeGaT Center for Human Genetics Tuebingen
Classification: Likely benign. Last evaluated: 2024-11-01. Review status: criteria provided, single submitter. Criteria: CeGaT Center For Human Genetics Tuebingen Variant Classification Criteria Version 2. Collection method: clinical testing. Allele origin: germline. Affected: yes. Observed: 1 variant allele.
Comment: LIM2: BP4, BP7